The following is an entry in ClinVar:

NM_001367624.2(ZNF469):c.8911G>A (p.Ala2971Thr)

Gene: ZNF469 (zinc finger protein 469; plus strand). Cytogenetic location: 16q24.2.
Variant type: single nucleotide variant.
Coding change: c.8911G>A on transcript NM_001367624.2 (MANE Select); coding-DNA position 8911, G replaced by A.
Protein change: p.Ala2971Thr; replaces alanine 2971 with threonine.
Molecular consequence: missense variant.
Genome position (GRCh38, 1-based): chr16:88,436,381, G>A. VCF-style: chr16-88436381-G-A. GRCh37 (hg19) VCF-style: chr16-88502789-G-A.
Other names: NM_001127464.1:c.8827G>A; short protein forms A2971T.
Identifiers: ClinVar variation 3821109 (VCV003821109.1).

ClinVar aggregate classification (germline): Uncertain significance (1 of 4 stars; one submission).

Conditions:
Cardiovascular phenotype. Identifiers: MedGen CN230736.

gnomAD v4.1: 4 of 1,549,976 alleles (0.00026%); highest among the groups gnomAD compares: African/African-American, 0.0014%; no homozygotes.

Submission:

Ambry Genetics
Classification: Uncertain significance for Cardiovascular phenotype. Last evaluated: 2025-01-06. Review status: criteria provided, single submitter. Criteria: Ambry Variant Classification Scheme 2023. Collection method: clinical testing. Allele origin: germline.
Comment: The p.A2943T variant (also known as c.8827G>A), located in coding exon 2 of the ZNF469 gene, results from a G to A substitution at nucleotide position 8827. The alanine at codon 2943 is replaced by threonine, an amino acid with similar properties. This amino acid position is conserved. In addition, this alteration is predicted to be tolerated by in silico analysis. Based on the available evidence, the clinical significance of this variant remains unclear.